The following is an entry in ClinVar:

NM_005573.4(LMNB1):c.493G>T (p.Asp165Tyr)

Gene: LMNB1 (lamin B1; plus strand). Cytogenetic location: 5q23.2.
Variant type: single nucleotide variant.
Coding change: c.493G>T on transcript NM_005573.4 (MANE Select); coding-DNA position 493, G replaced by T.
Protein change: p.Asp165Tyr; replaces aspartic acid 165 with tyrosine.
Molecular consequence: missense variant. On other transcripts: 5 prime UTR variant (1), non-coding transcript variant (2).
Genome position (GRCh38, 1-based): chr5:126,804,909, G>T. VCF-style: chr5-126804909-G-T. GRCh37 (hg19) VCF-style: chr5-126140601-G-T.
Other names: c.-138G>T (NM_001198557.2); short protein forms D165Y.
Identifiers: ClinVar variation 4047745 (VCV004047745.2).
Genomic context (GRCh38, chr5:126,804,909, plus strand): 5'-AAAGATGCAGCTCTTGCTACTGCACTTGGTGACAAAAAAAGTTTAGAGGGAGATTTGGAG[G>T]ATCTGAAGGATCAGATTGCCCAGGTAAGGTCAAGCCTACTCTTGAGCCGTATGTGACAGG-3'
Protein context (NP_005564.1, residues 155-175): DKKSLEGDLE[Asp165Tyr]LKDQIAQLEA

ClinVar aggregate classification (germline): Uncertain significance. Review status: criteria provided, multiple submitters, no conflicts (2 of 4 stars). 2 submissions from 2 submitters: Uncertain significance (2). Last evaluated 2025-04-14.

Conditions:
LMNB1-related disorder. Also called: LMNB1-related condition; LMNB1-Related Disorders.
Inborn genetic diseases. Identifiers: MedGen C0950123, MeSH D030342.

gnomAD v4.1: 4 of 1,613,880 alleles (0.00025%); highest among the groups gnomAD compares: Non-Finnish European, 0.00034%; no homozygotes.

Submissions (2):

Ambry Genetics
Classification: Uncertain significance for Inborn genetic diseases. Last evaluated: 2025-04-14. Review status: criteria provided, single submitter. Criteria: Ambry Variant Classification Scheme 2023. Collection method: clinical testing. Allele origin: germline.

PreventionGenetics, part of Exact Sciences
Classification: Uncertain significance for LMNB1-related condition. Last evaluated: 2025-01-31. Review status: criteria provided, single submitter. Criteria: ACMG Guidelines, 2015. Collection method: clinical testing. Allele origin: germline.
Comment: The LMNB1 c.493G>T variant is predicted to result in the amino acid substitution p.Asp165Tyr. To our knowledge, this variant has not been reported in the literature. This variant is reported in 0.0018% of alleles in individuals of European (Non-Finnish) descent in gnomAD. At this time, the clinical significance of this variant is uncertain due to the absence of conclusive functional and genetic evidence.